The following is an entry in ClinVar:

ClinVar aggregate classification (germline): Uncertain significance. Review status: criteria provided, multiple submitters, no conflicts (2 of 4 stars). 3 submissions from 3 submitters: Uncertain significance (3). Last evaluated 2024-02-01.

Conditions:
Developmental and epileptic encephalopathy, 58. Also called: EPILEPTIC ENCEPHALOPATHY, EARLY INFANTILE, 58. Identifiers: MedGen C4693367, MONDO:0033367, OMIM 617830.
Obesity, hyperphagia, and developmental delay (OBHD). Identifiers: Orphanet 99704, MedGen C3151303, MONDO:0013483, OMIM 613886.

Allele frequency attached by ClinVar (database versions not stated): ExAC 0.00001.

Submissions (3):

CeGaT Center for Human Genetics Tuebingen
Classification: Uncertain significance. Last evaluated: 2024-02-01. Review status: criteria provided, single submitter. Criteria: CeGaT Center For Human Genetics Tuebingen Variant Classification Criteria Version 2. Collection method: clinical testing. Allele origin: germline. Affected: yes. Observed: 1 variant allele.
Comment: NTRK2: PM2, PP2, PP3

Greenwood Genetic Center Diagnostic Laboratories, Greenwood Genetic Center
Classification: Uncertain significance. Last evaluated: 2021-01-13. Review status: criteria provided, single submitter. Criteria: ACMG Guidelines, 2015. Collection method: clinical testing. Allele origin: germline. Affected: yes.
Comment: PP2, PP3, PM2

Juno Genomics, Hangzhou Juno Genomics, Inc
Classification: Uncertain significance for Developmental and epileptic encephalopathy, 58; Obesity, hyperphagia, and developmental delay. Review status: criteria provided, single submitter. Criteria: ACMG Guidelines, 2015. Collection method: clinical testing. Allele origin: germline. Affected: yes.
Comment: Absent from controls (or at extremely low frequency if recessive) in Genome Aggregation Database.;Multiple lines of computational evidence support a deleterious effect on the gene or gene product.;Missense variant in a gene that has a low rate of benign missense variation.

NM_006180.6(NTRK2):c.2201G>A (p.Arg734His)

Gene: NTRK2 (neurotrophic receptor tyrosine kinase 2; plus strand). Cytogenetic location: 9q21.33.
Variant type: single nucleotide variant.
Coding change: c.2201G>A on transcript NM_006180.6 (MANE Select); coding-DNA position 2201, G replaced by A.
Protein change: p.Arg734His; replaces arginine 734 with histidine.
Molecular consequence: missense variant.
Genome position (GRCh38, 1-based): chr9:85,020,234, G>A. VCF-style: chr9-85020234-G-A. GRCh37 (hg19) VCF-style: chr9-87635149-G-A.
Other names: c.2153G>A, p.Arg718His (NM_001018064.3, NM_001369532.1, NM_001369533.1); c.2117G>A, p.Arg706His (NM_001369534.1); c.1685G>A, p.Arg562His (NM_001369535.1); c.1733G>A, p.Arg578His (NM_001369536.1); short protein forms R562H, R578H, R706H, R718H, R734H.
Identifiers: ClinVar variation 1331645 (VCV001331645.27), dbSNP rs767802494, ClinGen allele CA5105953.